The following is an entry in ClinVar:

ClinVar aggregate classification (germline): Likely benign. Review status: criteria provided, multiple submitters, no conflicts (2 of 4 stars). 3 submissions from 3 submitters: Likely benign (3). Last evaluated 2025-04-01.

Allele frequency attached by ClinVar (database versions not stated): gnomAD exomes 0.00004 and 0.00008; TOPMed 0.00004; gnomAD 0.00006 and 0.00008; ExAC 0.00010; 1000 Genomes Project 30x 0.00062; 1000 Genomes Project 0.00080.
gnomAD v4.1: 79 of 1,614,162 alleles (0.0049%); highest among the groups gnomAD compares: South Asian, 0.041%; no homozygotes.

Submissions (3):

CeGaT Center for Human Genetics Tuebingen
Classification: Likely benign. Last evaluated: 2025-04-01. Review status: criteria provided, single submitter. Criteria: CeGaT Center For Human Genetics Tuebingen Variant Classification Criteria Version 2. Collection method: clinical testing. Allele origin: germline. Affected: yes. Observed: 1 variant allele.
Comment: CANT1: BP4, BP7

Labcorp Genetics (formerly Invitae), Labcorp
Classification: Likely benign. Last evaluated: 2024-11-12. Review status: criteria provided, single submitter. Criteria: Invitae Variant Classification Sherloc (09022015). Collection method: clinical testing. Allele origin: germline.

Blueprint Genetics
Classification: Likely benign. Last evaluated: 2022-12-14. Review status: criteria provided, single submitter. Criteria: ACMG Guidelines, 2015. Collection method: clinical testing. Allele origin: germline.

NM_001159773.2(CANT1):c.609C>T (p.Asp203=)

Gene: CANT1 (calcium activated nucleotidase 1; minus strand). Cytogenetic location: 17q25.3.
Variant type: single nucleotide variant.
Coding change: c.609C>T on transcript NM_001159773.2 (MANE Select); coding-DNA position 609, C replaced by T.
Protein change: p.Asp203=; no amino-acid change (aspartic acid 203 retained).
Molecular consequence: synonymous variant.
Genome position (GRCh38, 1-based): chr17:78,997,014, G>A on the plus strand (C>T on the coding strand, the complement: CANT1 is on the minus strand). VCF-style: chr17-78997014-G-A. GRCh37 (hg19) VCF-style: chr17-76993096-G-A.
Other names: c.609C>T, p.Asp203= (NM_001159772.2, NM_138793.4).
Identifiers: ClinVar variation 736579 (VCV000736579.17), dbSNP rs200199592, ClinGen allele CA8808696.
Genomic context (GRCh38, chr17:78,997,014, plus strand): 5'-CCCACCCACACCTCCATAAAACCTCAGGGTCCAGTTACCTTTCTCCACGGTGCCGTCGCC[G>A]TCGGACAGAATCACCCAGGGCACGGCTTTGCTGCCTTCGATCTGGTAGACGACCCCCGTC-3'
Protein context (NP_001153245.1, residues 193-213): SKAVPWVILS[Asp203=]GDGTVEKGFK